The following is an entry in ClinVar:

NM_030958.3(SLCO5A1):c.2530T>G (p.Leu844Val)

Gene: SLCO5A1 (solute carrier organic anion transporter family member 5A1; minus strand). Cytogenetic location: 8q13.3.
Variant type: single nucleotide variant.
Coding change: c.2530T>G on transcript NM_030958.3 (MANE Select); coding-DNA position 2530, T replaced by G.
Protein change: p.Leu844Val; replaces leucine 844 with valine.
Molecular consequence: missense variant. On other transcripts: 3 prime UTR variant (1).
Genome position (GRCh38, 1-based): chr8:69,672,886, A>C on the plus strand (T>G on the coding strand, the complement: SLCO5A1 is on the minus strand). VCF-style: chr8-69672886-A-C. GRCh37 (hg19) VCF-style: chr8-70585121-A-C.
Other names: c.*401T>G (NM_001146008.2); c.2365T>G, p.Leu789Val (NM_001146009.1); short protein forms L789V, L844V.
Identifiers: ClinVar variation 1385668 (VCV001385668.6), dbSNP rs2130781302, ClinGen allele CA371231756.

ClinVar aggregate classification (germline): Uncertain significance (1 of 4 stars; one submission).

Submission:

Labcorp Genetics (formerly Invitae), Labcorp
Classification: Uncertain significance. Last evaluated: 2022-09-07. Review status: criteria provided, single submitter. Criteria: Invitae Variant Classification Sherloc (09022015). Collection method: clinical testing. Allele origin: germline.
Comment: In summary, the available evidence is currently insufficient to determine the role of this variant in disease. Therefore, it has been classified as a Variant of Uncertain Significance. Algorithms developed to predict the effect of missense changes on protein structure and function output the following: SIFT: "Tolerated"; PolyPhen-2: "Benign"; Align-GVGD: "Class C0". The valine amino acid residue is found in multiple mammalian species, which suggests that this missense change does not adversely affect protein function. ClinVar contains an entry for this variant (Variation ID: 1385668). This variant has not been reported in the literature in individuals affected with SLCO5A1-related conditions. This variant is not present in population databases (gnomAD no frequency). This sequence change replaces leucine, which is neutral and non-polar, with valine, which is neutral and non-polar, at codon 844 of the SLCO5A1 protein (p.Leu844Val).